The following is an entry in ClinVar:

NM_016252.4(BIRC6):c.14294A>G (p.Glu4765Gly)

Gene: BIRC6 (baculoviral IAP repeat containing 6; plus strand). Cytogenetic location: 2p22.3.
Variant type: single nucleotide variant.
Coding change: c.14294A>G on transcript NM_016252.4 (MANE Select); coding-DNA position 14294, A replaced by G.
Protein change: p.Glu4765Gly; replaces glutamic acid 4765 with glycine.
Molecular consequence: missense variant.
Genome position (GRCh38, 1-based): chr2:32,611,482, A>G. VCF-style: chr2-32611482-A-G. GRCh37 (hg19) VCF-style: chr2-32836549-A-G.
Other names: c.14291A>G, p.Glu4764Gly (NM_001378125.1); short protein forms E4764G, E4765G.
Identifiers: ClinVar variation 3025001 (VCV003025001.22), dbSNP rs148154265, ClinGen allele CA1605729.
Genomic context (GRCh38, chr2:32,611,482, plus strand): 5'-TGTTCTCCTGTTTACTTTTTCTCAAGGTAATACACAAACATTTTTACTTGAAAAGAGTTG[A>G]GATAATGGCCCAATGTGAGGAGTGGATTGCGGATATCCAGCAGTACAGCAGTGATAAGCG-3'
Protein context (NP_057336.3, residues 4755-4775): IHKHFYLKRV[Glu4765Gly]IMAQCEEWIA

ClinVar aggregate classification (germline): Likely benign (1 of 4 stars; one submission).

Allele frequency attached by ClinVar (database versions not stated): TOPMed 0.00022; gnomAD 0.00024; gnomAD exomes 0.00034; ESP Exome Variant Server 0.00046; 1000 Genomes Project 30x 0.00047; ExAC 0.00059; 1000 Genomes Project 0.00060.
gnomAD v4.1: 545 of 1,609,756 alleles (0.034%); highest among the groups gnomAD compares: South Asian, 0.19%; 3 homozygotes.

Submission:

CeGaT Center for Human Genetics Tuebingen
Classification: Likely benign. Last evaluated: 2024-01-01. Review status: criteria provided, single submitter. Criteria: CeGaT Center For Human Genetics Tuebingen Variant Classification Criteria Version 2. Collection method: clinical testing. Allele origin: germline. Affected: yes. Observed: 1 variant allele.
Comment: BIRC6: BS1